The following is an entry in ClinVar:

NM_001261826.3(AP3D1):c.2899C>T (p.Pro967Ser)

Gene: AP3D1 (adaptor related protein complex 3 subunit delta 1; minus strand). Cytogenetic location: 19p13.3.
Variant type: single nucleotide variant.
Coding change: c.2899C>T on transcript NM_001261826.3 (MANE Select); coding-DNA position 2899, C replaced by T.
Protein change: p.Pro967Ser; replaces proline 967 with serine.
Molecular consequence: missense variant.
Genome position (GRCh38, 1-based): chr19:2,111,717, G>A on the plus strand (C>T on the coding strand, the complement: AP3D1 is on the minus strand). VCF-style: chr19-2111717-G-A. GRCh37 (hg19) VCF-style: chr19-2111716-G-A.
Other names: c.2863C>T, p.Pro955Ser (NM_001374799.1); c.2713C>T, p.Pro905Ser (NM_003938.8); short protein forms P967S, P905S, P955S.
Identifiers: ClinVar variation 2883982 (VCV002883982.3), dbSNP rs751622663, ClinGen allele CA9058681.

ClinVar aggregate classification (germline): Uncertain significance (1 of 4 stars; one submission).

Allele frequency attached by ClinVar (database versions not stated): ExAC 0.00005.
gnomAD v4.1: 16 of 1,602,034 alleles (0.001%); highest among the groups gnomAD compares: South Asian, 0.017%; 1 homozygote.

Submission:

Labcorp Genetics (formerly Invitae), Labcorp
Classification: Uncertain significance. Last evaluated: 2023-02-22. Review status: criteria provided, single submitter. Criteria: Invitae Variant Classification Sherloc (09022015). Collection method: clinical testing. Allele origin: germline.
Comment: In summary, the available evidence is currently insufficient to determine the role of this variant in disease. Therefore, it has been classified as a Variant of Uncertain Significance. An algorithm developed to predict the effect of missense changes on protein structure and function (PolyPhen-2) suggests that this variant is likely to be tolerated. This variant has not been reported in the literature in individuals affected with AP3D1-related conditions. The frequency data for this variant in the population databases is considered unreliable, as metrics indicate poor data quality at this position in the gnomAD database. This sequence change replaces proline, which is neutral and non-polar, with serine, which is neutral and polar, at codon 967 of the AP3D1 protein (p.Pro967Ser).